The following is an entry in ClinVar:

NM_000089.4(COL1A2):c.2465G>T (p.Arg822Leu)

Gene: COL1A2 (collagen type I alpha 2 chain; plus strand). Cytogenetic location: 7q21.3.
Variant type: single nucleotide variant.
Coding change: c.2465G>T on transcript NM_000089.4 (MANE Select); coding-DNA position 2465, G replaced by T.
Protein change: p.Arg822Leu; replaces arginine 822 with leucine.
Molecular consequence: missense variant.
Genome position (GRCh38, 1-based): chr7:94,423,018, G>T. VCF-style: chr7-94423018-G-T. GRCh37 (hg19) VCF-style: chr7-94052330-G-T.
Other names: short protein forms R822L.
Identifiers: ClinVar variation 3366142 (VCV003366142.1).

ClinVar aggregate classification (germline): Uncertain significance (1 of 4 stars; one submission).

Submission:

GeneDx
Classification: Uncertain significance. Last evaluated: 2023-10-17. Review status: criteria provided, single submitter. Criteria: GeneDx Variant Classification Process June 2021. Collection method: clinical testing. Allele origin: germline. Affected: yes.
Comment: Has not been previously published as pathogenic or benign to our knowledge; Not observed at significant frequency in large population cohorts (gnomAD); In silico analysis supports that this missense variant has a deleterious effect on protein structure/function